The following is an entry in ClinVar:

NM_001384140.1(PCDH15):c.-5A>G

Gene: PCDH15 (protocadherin related 15; minus strand). Cytogenetic location: 10q21.1.
Variant type: single nucleotide variant.
Coding change: c.-5A>G on transcript NM_001384140.1 (MANE Select); 5 bases upstream of the start codon, A replaced by G.
Molecular consequence: 5 prime UTR variant.
Genome position (GRCh38, 1-based): chr10:54,664,267, T>C on the plus strand (A>G on the coding strand, the complement: PCDH15 is on the minus strand). VCF-style: chr10-54664267-T-C. GRCh37 (hg19) VCF-style: chr10-56424027-T-C.
Other names: c.-5A>G (NM_001142773.2, NM_001354404.2, NM_001354411.2 and 14 more transcripts).
Identifiers: ClinVar variation 178523 (VCV000178523.11), dbSNP rs142016527, ClinGen allele CA182488.

ClinVar aggregate classification (germline): Benign/Likely benign. Review status: criteria provided, multiple submitters, no conflicts (2 of 4 stars). 5 submissions from 5 submitters: Benign (3); Likely benign (1). 1 of the submissions does not count toward it. Last evaluated 2024-11-06.

Conditions:
Usher syndrome type 1 (USH1). Also called: RETINITIS PIGMENTOSA AND CONGENITAL DEAFNESS. Identifiers: Orphanet 231169, Orphanet 886, MedGen C1568247, MONDO:0010168, OMIM 276900.
Usher syndrome type 1F (USH1F). Also called: USHER SYNDROME, TYPE IF. Identifiers: Orphanet 231169, Orphanet 886, MedGen C1865885, MONDO:0011186, OMIM 602083.

Allele frequency attached by ClinVar (database versions not stated): gnomAD exomes 0.00052 and 0.00138; ExAC 0.00194; gnomAD 0.00532 and 0.00570; ESP Exome Variant Server 0.00600; TOPMed 0.00636; 1000 Genomes Project 0.00879; 1000 Genomes Project 30x 0.01046.
gnomAD v4.1: 1,601 of 1,607,968 alleles (0.1%); highest among the groups gnomAD compares: African/African-American, 1.8%; 15 homozygotes.

Submissions (5):

Blueprint Genetics
Classification: Likely benign. Last evaluated: 2024-11-06. Review status: criteria provided, single submitter. Criteria: ACMG Guidelines, 2015. Collection method: clinical testing. Allele origin: germline.

GeneDx
Classification: Benign. Last evaluated: 2018-05-11. Review status: criteria provided, single submitter. Criteria: GeneDx Variant Classification (06012015). Collection method: clinical testing. Allele origin: germline. Affected: yes.
Comment: This variant is considered likely benign or benign based on one or more of the following criteria: it is a conservative change, it occurs at a poorly conserved position in the protein, it is predicted to be benign by multiple in silico algorithms, and/or has population frequency not consistent with disease.

Illumina Laboratory Services, Illumina
Classification: Benign for Usher syndrome type 1. Last evaluated: 2017-04-27. Review status: criteria provided, single submitter. Criteria: ICSL Variant Classification Criteria 13 December 2019. Collection method: clinical testing. Allele origin: germline.
Comment: This variant was observed as part of a predisposition screen in an ostensibly healthy population. A literature search was performed for the gene, cDNA change, and amino acid change (where applicable). No publications were found based on this search. Allele frequency data from public databases was too high to be consistent with this variant causing disease. Therefore, this variant is classified as benign.

Laboratory for Molecular Medicine, Mass General Brigham Personalized Medicine
Classification: Benign. Last evaluated: 2012-04-30. Review status: criteria provided, single submitter. Criteria: LMM Criteria. Collection method: clinical testing. Allele origin: germline. Observed: 12 variant alleles.
Comment: -5A>G in Exon 02 of PCDH15: This variant is not expected to have clinical signif icance because it has been identified in 1.7% (64/3738) of African American chro mosomes from a broad population by the NHLBI Exome Sequencing Project (s.gs.washington

Natera, Inc.
Classification: Likely benign for Usher syndrome type 1F. Last evaluated: 2019-12-06. Review status: no assertion criteria provided. Collection method: clinical testing. Allele origin: germline. Not counted in ClinVar's aggregate classification.